The following is an entry in ClinVar:

NM_032043.3(BRIP1):c.2646T>C (p.Ala882=)

Gene: BRIP1 (BRCA1 interacting DNA helicase 1; minus strand). Cytogenetic location: 17q23.2.
Variant type: single nucleotide variant.
Coding change: c.2646T>C on transcript NM_032043.3 (MANE Select); coding-DNA position 2646, T replaced by C.
Protein change: p.Ala882=; no amino-acid change (alanine 882 retained).
Molecular consequence: synonymous variant.
Genome position (GRCh38, 1-based): chr17:61,686,095, A>G on the plus strand (T>C on the coding strand, the complement: BRIP1 is on the minus strand). VCF-style: chr17-61686095-A-G. GRCh37 (hg19) VCF-style: chr17-59763456-A-G.
Identifiers: ClinVar variation 483194 (VCV000483194.17), dbSNP rs1342595412, ClinGen allele CA501335935.

ClinVar aggregate classification (germline): Benign/Likely benign. Review status: criteria provided, multiple submitters, no conflicts (2 of 4 stars). 4 submissions from 4 submitters: Benign (1); Likely benign (2). 1 of the submissions does not count toward it. Last evaluated 2025-08-11.

Conditions:
BRIP1-related disorder. Also called: BRIP1-related condition; BRIP1-related disorders. Identifiers: MedGen CN239206.
Hereditary cancer-predisposing syndrome. Also called: Hereditary neoplastic syndrome; Neoplastic Syndromes, Hereditary; Tumor predisposition; Hereditary Cancer Syndrome. Identifiers: Orphanet 140162, MedGen C0027672, MeSH D009386, MONDO:0015356.
Fanconi anemia complementation group J. Also called: BRIP1-Related Fanconi Anemia. Identifiers: Orphanet 84, MedGen C1836860, MONDO:0012187, OMIM 609054.
Familial cancer of breast. Also called: BREAST CANCER, FAMILIAL; Hereditary breast cancer; hereditary breast carcinoma. Identifiers: Orphanet 227535, MedGen C0346153, MONDO:0016419, OMIM 114480. Disease mechanism: loss of function.

Allele frequency attached by ClinVar (database versions not stated): TOPMed below 0.00001; gnomAD 0.00001.
gnomAD v4.1: 2 of 1,613,944 alleles (0.00012%); highest among the groups gnomAD compares: African/African-American, 0.0027%; no homozygotes.

Submissions (4):

Labcorp Genetics (formerly Invitae), Labcorp
Classification: Likely benign for Familial cancer of breast; Fanconi anemia complementation group J. Last evaluated: 2025-08-11. Review status: criteria provided, single submitter. Criteria: Invitae Variant Classification Sherloc (09022015). Collection method: clinical testing. Allele origin: germline.

Myriad Genetics, Inc.
Classification: Benign for Familial cancer of breast. Last evaluated: 2024-09-05. Review status: criteria provided, single submitter. Criteria: Myriad Autosomal Dominant, Autosomal Recessive and X-Linked Classification Criteria (2023). Collection method: clinical testing. Allele origin: unknown.
Comment: This variant is considered benign. This variant is a silent/synonymous amino acid change and it is not expected to impact splicing.

Ambry Genetics
Classification: Likely benign for Hereditary cancer-predisposing syndrome. Last evaluated: 2017-03-28. Review status: criteria provided, single submitter. Criteria: Ambry Variant Classification Scheme 2023. Collection method: clinical testing. Allele origin: germline.

PreventionGenetics, part of Exact Sciences
Classification: Likely benign for BRIP1-related condition. Last evaluated: 2022-10-25. Review status: no assertion criteria provided. Collection method: clinical testing. Allele origin: germline. Not counted in ClinVar's aggregate classification.
Comment: This variant is classified as likely benign based on ACMG/AMP sequence variant interpretation guidelines (Richards et al. 2015 PMID: 25741868, with internal and published modifications).